The following is an entry in ClinVar:

ClinVar aggregate classification (germline): Benign. Review status: criteria provided, multiple submitters, no conflicts (2 of 4 stars). 2 submissions from 2 submitters: Benign (2). Last evaluated 2018-01-13.

Conditions:
Aortic aneurysm, familial thoracic 7 (AAT7). Also called: AORTIC DISSECTION, FAMILIAL, WITH OR WITHOUT AORTIC ANEURYSM. Identifiers: MedGen C3151077, MONDO:0013418, OMIM 613780.

Allele frequency attached by ClinVar (database versions not stated): gnomAD 0.00012 and 0.00180; TOPMed 0.00038; 1000 Genomes Project 30x 0.01280; 1000 Genomes Project 0.01478.

Submissions (2):

Illumina Laboratory Services, Illumina
Classification: Benign for Aortic aneurysm, familial thoracic 7. Last evaluated: 2018-01-13. Review status: criteria provided, single submitter. Criteria: ICSL Variant Classification Criteria 13 December 2019. Collection method: clinical testing. Allele origin: germline.
Comment: This variant was observed in the ICSL laboratory as part of a predisposition screen in an ostensibly healthy population. It had not been previously curated by ICSL or reported in the Human Gene Mutation Database (HGMD: prior to June 1st, 2018), and was therefore a candidate for classification through an automated scoring system. Utilizing variant allele frequency, disease prevalence and penetrance estimates, and inheritance mode, an automated score was calculated to assess if this variant is too frequent to cause the disease. Based on the score and internal cut-off values, a variant classified as benign is not then subjected to further curation. The score for this variant resulted in a classification of benign for this disease.

GeneDx
Classification: Benign. Last evaluated: 2016-11-04. Review status: criteria provided, single submitter. Criteria: GeneDx Variant Classification (06012015). Collection method: clinical testing. Allele origin: germline. Affected: yes.
Comment: This variant is considered likely benign or benign based on one or more of the following criteria: it is a conservative change, it occurs at a poorly conserved position in the protein, it is predicted to be benign by multiple in silico algorithms, and/or has population frequency not consistent with disease.

NM_053025.4(MYLK):c.-197T>C

Genes: MYLK (myosin light chain kinase; minus strand), LOC129937401 (ATAC-STARR-seq lymphoblastoid silent region 14650; plus strand). Cytogenetic location: 3q21.1.
Variant type: single nucleotide variant.
Coding change: c.-197T>C on transcript NM_053025.4 (MANE Select); 197 bases upstream of the start codon, T replaced by C.
Molecular consequence: 5 prime UTR variant.
Genome position (GRCh38, 1-based): chr3:123,884,217, A>G on the plus strand (T>C on the coding strand, the complement: MYLK is on the minus strand). VCF-style: chr3-123884217-A-G. GRCh37 (hg19) VCF-style: chr3-123603064-A-G.
Other names: c.-517T>C (NM_001321309.2); c.-197T>C (NM_053026.4, NM_053027.4, NM_053028.4).
Identifiers: ClinVar variation 342916 (VCV000342916.5), dbSNP rs528654061, ClinGen allele CA10615108.
Genomic context (GRCh38, chr3:123,884,217, plus strand): 5'-GACTTCCAGGGCCCGCGCCTGGACAAAAGCATGGGGCGGGCTCACTCACCCGCGCGGCGA[A>G]GGCGGCCCGGGAGCCGGGGCACCGGCGCTCGGCGGGGCGCCCCGGCCGCAGGCGCACAGC-3'